The following is an entry in ClinVar:

NM_001903.5(CTNNA1):c.203C>G (p.Ala68Gly)

Gene: CTNNA1 (catenin alpha 1; plus strand). Cytogenetic location: 5q31.2.
Variant type: single nucleotide variant.
Coding change: c.203C>G on transcript NM_001903.5 (MANE Select); coding-DNA position 203, C replaced by G.
Protein change: p.Ala68Gly; replaces alanine 68 with glycine.
Molecular consequence: missense variant. On other transcripts: splice donor variant (1), intron variant (1).
Genome position (GRCh38, 1-based): chr5:138,783,274, C>G. VCF-style: chr5-138783274-C-G. GRCh37 (hg19) VCF-style: chr5-138118963-C-G.
Other names: c.203C>G, p.Ala68Gly (NM_001290307.3, NM_001323982.2, NM_001323983.1 and 3 more transcripts); c.-6+2C>G (NM_001290310.3); c.-9+1245C>G (NM_001290309.3); short protein forms A68G.
Identifiers: ClinVar variation 3665186 (VCV003665186.2).

ClinVar aggregate classification (germline): Uncertain significance (1 of 4 stars; one submission).

Submission:

Labcorp Genetics (formerly Invitae), Labcorp
Classification: Uncertain significance. Last evaluated: 2024-10-29. Review status: criteria provided, single submitter. Criteria: Invitae Variant Classification Sherloc (09022015). Collection method: clinical testing. Allele origin: germline.
Comment: This sequence change replaces alanine, which is neutral and non-polar, with glycine, which is neutral and non-polar, at codon 68 of the CTNNA1 protein (p.Ala68Gly). This variant is not present in population databases (gnomAD no frequency). This variant has not been reported in the literature in individuals affected with CTNNA1-related conditions. Invitae Evidence Modeling of protein sequence and biophysical properties (such as structural, functional, and spatial information, amino acid conservation, physicochemical variation, residue mobility, and thermodynamic stability) indicates that this missense variant is expected to disrupt CTNNA1 protein function with a positive predictive value of 80%. In summary, the available evidence is currently insufficient to determine the role of this variant in disease. Therefore, it has been classified as a Variant of Uncertain Significance.